The following is an entry in ClinVar:

ClinVar aggregate classification (germline): Uncertain significance (1 of 4 stars; one submission).

Conditions:
Congenital glucose-galactose malabsorption (GGM). Also called: DIARRHEA 16; MONOSACCHARIDE MALABSORPTION. Identifiers: Orphanet 35710, MedGen C0268186, MONDO:0011731, OMIM 606824.

Submission:

Labcorp Genetics (formerly Invitae), Labcorp
Classification: Uncertain significance for Congenital glucose-galactose malabsorption. Last evaluated: 2020-10-19. Review status: criteria provided, single submitter. Criteria: Invitae Variant Classification Sherloc (09022015). Collection method: clinical testing. Allele origin: germline.
Comment: In summary, the available evidence is currently insufficient to determine the role of this variant in disease. Therefore, it has been classified as a Variant of Uncertain Significance. Algorithms developed to predict the effect of missense changes on protein structure and function (SIFT, PolyPhen-2, Align-GVGD) all suggest that this variant is likely to be disruptive, but these predictions have not been confirmed by published functional studies and their clinical significance is uncertain. This variant has not been reported in the literature in individuals with SLC5A1-related conditions. This variant is not present in population databases (ExAC no frequency). This sequence change replaces serine with phenylalanine at codon 73 of the SLC5A1 protein (p.Ser73Phe). The serine residue is highly conserved and there is a large physicochemical difference between serine and phenylalanine.

NM_000343.4(SLC5A1):c.218C>T (p.Ser73Phe)

Gene: SLC5A1 (solute carrier family 5 member 1; plus strand). Cytogenetic location: 22q12.3.
Variant type: single nucleotide variant.
Coding change: c.218C>T on transcript NM_000343.4 (MANE Select); coding-DNA position 218, C replaced by T.
Protein change: p.Ser73Phe; replaces serine 73 with phenylalanine.
Molecular consequence: missense variant. On other transcripts: 5 prime UTR variant (1).
Genome position (GRCh38, 1-based): chr22:32,066,945, C>T. VCF-style: chr22-32066945-C-T. GRCh37 (hg19) VCF-style: chr22-32462932-C-T.
Other names: c.-164C>T (NM_001256314.2); short protein forms S73F.
Identifiers: ClinVar variation 1036439 (VCV001036439.8), dbSNP rs762929535, ClinGen allele CA411313663.